The following is an entry in ClinVar:

NM_001130145.3(YAP1):c.321+8C>T

Gene: YAP1 (Yes1 associated transcriptional regulator; plus strand). Cytogenetic location: 11q22.1.
Variant type: single nucleotide variant.
Coding change: c.321+8C>T on transcript NM_001130145.3 (MANE Select); 8 bases into the intron after coding-DNA position 321, C replaced by T.
Molecular consequence: intron variant.
Genome position (GRCh38, 1-based): chr11:102,111,177, C>T. VCF-style: chr11-102111177-C-T. GRCh37 (hg19) VCF-style: chr11-101981908-C-T.
Other names: c.321+8C>T (NM_001282101.2, NM_001282100.2, NM_001195044.2 and 4 more transcripts).
Identifiers: ClinVar variation 3044203 (VCV003044203.2), dbSNP rs546561034, ClinGen allele CA6246192.

ClinVar aggregate classification (germline): Likely benign (0 of 4 stars; one submission).

Conditions:
YAP1-related disorder. Also called: YAP1-related condition.

Allele frequency attached by ClinVar (database versions not stated): ExAC 0.00001; gnomAD 0.00001; TOPMed 0.00004; 1000 Genomes Project 30x 0.00016; 1000 Genomes Project 0.00020.
gnomAD v4.1: 18 of 1,612,140 alleles (0.0011%); highest among the groups gnomAD compares: Admixed American, 0.0083%; no homozygotes.

Submission:

PreventionGenetics, part of Exact Sciences
Classification: Likely benign for YAP1-related condition. Last evaluated: 2019-06-03. Review status: no assertion criteria provided. Collection method: clinical testing. Allele origin: germline.
Comment: This variant is classified as likely benign based on ACMG/AMP sequence variant interpretation guidelines (Richards et al. 2015 PMID: 25741868, with internal and published modifications).